The following is an entry in ClinVar:

ClinVar aggregate classification (germline): Uncertain significance (1 of 4 stars; one submission).

Submission:

Labcorp Genetics (formerly Invitae), Labcorp
Classification: Uncertain significance. Last evaluated: 2023-09-11. Review status: criteria provided, single submitter. Criteria: Invitae Variant Classification Sherloc (09022015). Collection method: clinical testing. Allele origin: germline.
Comment: Advanced modeling of protein sequence and biophysical properties (such as structural, functional, and spatial information, amino acid conservation, physicochemical variation, residue mobility, and thermodynamic stability) performed at Invitae indicates that this missense variant is not expected to disrupt SLC25A32 protein function. In summary, the available evidence is currently insufficient to determine the role of this variant in disease. Therefore, it has been classified as a Variant of Uncertain Significance. This variant has not been reported in the literature in individuals affected with SLC25A32-related conditions. This sequence change replaces phenylalanine, which is neutral and non-polar, with leucine, which is neutral and non-polar, at codon 167 of the SLC25A32 protein (p.Phe167Leu). This variant is not present in population databases (gnomAD no frequency).

NM_030780.5(SLC25A32):c.501T>G (p.Phe167Leu)

Gene: SLC25A32 (solute carrier family 25 member 32; minus strand). Cytogenetic location: 8q22.3.
Variant type: single nucleotide variant.
Coding change: c.501T>G on transcript NM_030780.5 (MANE Select); coding-DNA position 501, T replaced by G.
Protein change: p.Phe167Leu; replaces phenylalanine 167 with leucine.
Molecular consequence: missense variant. On other transcripts: non-coding transcript variant (2).
Genome position (GRCh38, 1-based): chr8:103,403,215, A>C on the plus strand (T>G on the coding strand, the complement: SLC25A32 is on the minus strand). VCF-style: chr8-103403215-A-C. GRCh37 (hg19) VCF-style: chr8-104415443-A-C.
Other names: short protein forms F167L.
Identifiers: ClinVar variation 2988119 (VCV002988119.3), dbSNP rs2488192157, ClinGen allele CA371625070.